The following is an entry in ClinVar:

NM_001164665.2(KIAA1549):c.2967+3G>A

Gene: KIAA1549 (KIAA1549; minus strand). Cytogenetic location: 7q34.
Variant type: single nucleotide variant.
Coding change: c.2967+3G>A on transcript NM_001164665.2 (MANE Select); 3 bases into the intron after coding-DNA position 2967, G replaced by A.
Molecular consequence: intron variant.
Genome position (GRCh38, 1-based): chr7:138,912,369, C>T on the plus strand (G>A on the coding strand, the complement: KIAA1549 is on the minus strand). VCF-style: chr7-138912369-C-T. GRCh37 (hg19) VCF-style: chr7-138597115-C-T.
Other names: c.2967+3G>A (NM_020910.3).
Identifiers: ClinVar variation 1913368 (VCV001913368.2), dbSNP rs112148209, ClinGen allele CA167161438.

ClinVar aggregate classification (germline): Uncertain significance (1 of 4 stars; one submission).

Allele frequency attached by ClinVar (database versions not stated): gnomAD exomes 0.00001; gnomAD 0.00002; TOPMed 0.00002.
gnomAD v4.1: 21 of 1,612,732 alleles (0.0013%); highest among the groups gnomAD compares: African/African-American, 0.017%; no homozygotes.

Submission:

Labcorp Genetics (formerly Invitae), Labcorp
Classification: Uncertain significance. Last evaluated: 2022-10-09. Review status: criteria provided, single submitter. Criteria: Invitae Variant Classification Sherloc (09022015). Collection method: clinical testing. Allele origin: germline.
Comment: This sequence change falls in intron 3 of the KIAA1549 gene. It does not directly change the encoded amino acid sequence of the KIAA1549 protein. It affects a nucleotide within the consensus splice site. This variant is present in population databases (rs112148209, gnomAD 0.01%). This variant has not been reported in the literature in individuals affected with KIAA1549-related conditions. Variants that disrupt the consensus splice site are a relatively common cause of aberrant splicing (PMID: 17576681, 9536098). Algorithms developed to predict the effect of sequence changes on RNA splicing suggest that this variant is not likely to affect RNA splicing. In summary, the available evidence is currently insufficient to determine the role of this variant in disease. Therefore, it has been classified as a Variant of Uncertain Significance.

Literature cited by the submitters: PubMed 17576681; PubMed 9536098.